The following is an entry in ClinVar:

NM_001277115.2(DNAH11):c.10128C>A (p.Ile3376=)

Gene: DNAH11 (dynein axonemal heavy chain 11; plus strand). Cytogenetic location: 7p15.3.
Variant type: single nucleotide variant.
Coding change: c.10128C>A on transcript NM_001277115.2 (MANE Select); coding-DNA position 10128, C replaced by A.
Protein change: p.Ile3376=; no amino-acid change (isoleucine 3376 retained).
Molecular consequence: synonymous variant.
Genome position (GRCh38, 1-based): chr7:21,801,238, C>A. VCF-style: chr7-21801238-C-A. GRCh37 (hg19) VCF-style: chr7-21840856-C-A.
Other names: c.10128C>A (NM_001277115.1).
Identifiers: ClinVar variation 1149382 (VCV001149382.11), dbSNP rs368988134, ClinGen allele CA4182239.

ClinVar aggregate classification (germline): Likely benign. Review status: criteria provided, single submitter (1 of 4 stars). 2 submissions from 2 submitters: Likely benign (1). 1 of the submissions does not count toward it. Last evaluated 2025-09-21.

Conditions:
DNAH11-related disorder. Also called: DNAH11-related condition.
Primary ciliary dyskinesia. Also called: Ciliary dyskinesia. Identifiers: Orphanet 244, MedGen C0008780, MONDO:0016575, HP:0012265.

Allele frequency attached by ClinVar (database versions not stated): ESP Exome Variant Server 0.00008; gnomAD 0.00013 and 0.00015; 1000 Genomes Project 30x 0.00016; TOPMed 0.00017; 1000 Genomes Project 0.00020.
gnomAD v4.1: 39 of 1,613,892 alleles (0.0024%); highest among the groups gnomAD compares: African/African-American, 0.048%; no homozygotes.

Submissions (2):

Labcorp Genetics (formerly Invitae), Labcorp
Classification: Likely benign for Primary ciliary dyskinesia. Last evaluated: 2025-09-21. Review status: criteria provided, single submitter. Criteria: Invitae Variant Classification Sherloc (09022015). Collection method: clinical testing. Allele origin: germline.

PreventionGenetics, part of Exact Sciences
Classification: Likely benign for DNAH11-related condition. Last evaluated: 2019-07-31. Review status: no assertion criteria provided. Collection method: clinical testing. Allele origin: germline. Not counted in ClinVar's aggregate classification.
Comment: This variant is classified as likely benign based on ACMG/AMP sequence variant interpretation guidelines (Richards et al. 2015 PMID: 25741868, with internal and published modifications).